The following is an entry in ClinVar:

ClinVar aggregate classification (germline): Uncertain significance (1 of 4 stars; one submission).

Conditions:
Complex neurodevelopmental disorder. Identifiers: Orphanet 528084, MedGen C5568766, MONDO:0100038.

Submission:

Dasa
Classification: Uncertain significance for Complex neurodevelopmental disorder. Last evaluated: 2025-12-05. Review status: criteria provided, single submitter. Criteria: DASA Assertion Criteria. Collection method: clinical testing. Allele origin: germline.
Comment: NM_013436.5(NCKAP1):c.1406C>T (p.Ser469Phe) is a missense variant that results in the substitution of serine with phenylalanine. This variant is absent from population databases. The currently available literature and clinical evidence are not sufficient to establish a definitive association between this variant and the reported condition. Therefore, this variant is classified as a variant of uncertain significance.

NM_013436.5(NCKAP1):c.1406C>T (p.Ser469Phe)

Gene: NCKAP1 (NCK associated protein 1; minus strand). Cytogenetic location: 2q32.1.
Variant type: single nucleotide variant.
Coding change: c.1406C>T on transcript NM_013436.5 (MANE Select); coding-DNA position 1406, C replaced by T.
Protein change: p.Ser469Phe; replaces serine 469 with phenylalanine.
Molecular consequence: missense variant.
Genome position (GRCh38, 1-based): chr2:182,978,851, G>A on the plus strand (C>T on the coding strand, the complement: NCKAP1 is on the minus strand). VCF-style: chr2-182978851-G-A. GRCh37 (hg19) VCF-style: chr2-183843579-G-A.
Other names: c.1400C>T, p.Ser467Phe (NM_001437266.1); c.1418C>T, p.Ser473Phe (NM_001437267.1); c.1424C>T, p.Ser475Phe (NM_205842.3); short protein forms S467F, S469F, S473F, S475F.
Identifiers: ClinVar variation 4881897 (VCV004881897.2).